The following is an entry in ClinVar:

NM_031483.7(ITCH):c.2581C>T (p.Gln861Ter)

Gene: ITCH (itchy E3 ubiquitin protein ligase; plus strand). Cytogenetic location: 20q11.22.
Variant type: single nucleotide variant.
Coding change: c.2581C>T on transcript NM_031483.7 (MANE Select); coding-DNA position 2581, C replaced by T.
Protein change: p.Gln861Ter; replaces glutamine 861 with a stop codon.
Molecular consequence: nonsense.
Genome position (GRCh38, 1-based): chr20:34,507,786, C>T. VCF-style: chr20-34507786-C-T. GRCh37 (hg19) VCF-style: chr20-33095591-C-T.
Other names: c.2704C>T, p.Gln902Ter (NM_001257137.3, NM_001324197.2); c.2251C>T, p.Gln751Ter (NM_001257138.3); c.2581C>T, p.Gln861Ter (NM_001324198.2); short protein forms Q861*, Q902*, Q751*.
Identifiers: ClinVar variation 965672 (VCV000965672.8), dbSNP rs1978326856, ClinGen allele CA408663841.

ClinVar aggregate classification (germline): Uncertain significance (1 of 4 stars; one submission).

Conditions:
Syndromic multisystem autoimmune disease due to ITCH deficiency. Also called: AUTOIMMUNE DISEASE, MULTISYSTEM, WITH FACIAL DYSMORPHISM. Identifiers: Orphanet 228426, MedGen C3150649, MONDO:0013245, OMIM 613385.

Submission:

Labcorp Genetics (formerly Invitae), Labcorp
Classification: Uncertain significance for Syndromic multisystem autoimmune disease due to ITCH deficiency. Last evaluated: 2022-10-24. Review status: criteria provided, single submitter. Criteria: Invitae Variant Classification Sherloc (09022015). Collection method: clinical testing. Allele origin: germline.
Comment: In summary, the available evidence is currently insufficient to determine the role of this variant in disease. Therefore, it has been classified as a Variant of Uncertain Significance. Experimental studies and prediction algorithms are not available or were not evaluated, and the functional significance of this variant is currently unknown. ClinVar contains an entry for this variant (Variation ID: 965672). This variant has not been reported in the literature in individuals affected with ITCH-related conditions. This variant is not present in population databases (gnomAD no frequency). This sequence change creates a premature translational stop signal (p.Gln861*) in the ITCH gene. While this is not anticipated to result in nonsense mediated decay, it is expected to disrupt the last 2 amino acid(s) of the ITCH protein.